The following is an entry in ClinVar:

NM_001367624.2(ZNF469):c.10390C>T (p.Arg3464Trp)

Gene: ZNF469 (zinc finger protein 469; plus strand). Cytogenetic location: 16q24.2.
Variant type: single nucleotide variant.
Coding change: c.10390C>T on transcript NM_001367624.2 (MANE Select); coding-DNA position 10390, C replaced by T.
Protein change: p.Arg3464Trp; replaces arginine 3464 with tryptophan.
Molecular consequence: missense variant.
Genome position (GRCh38, 1-based): chr16:88,437,860, C>T. VCF-style: chr16-88437860-C-T. GRCh37 (hg19) VCF-style: chr16-88504268-C-T.
Other names: NM_001127464.1:c.10306C>T; short protein forms R3464W.
Identifiers: ClinVar variation 1770961 (VCV001770961.3), dbSNP rs947418911, ClinGen allele CA286386675.

ClinVar aggregate classification (germline): Uncertain significance (1 of 4 stars; one submission).

Conditions:
Cardiovascular phenotype. Identifiers: MedGen CN230736.

Allele frequency attached by ClinVar (database versions not stated): gnomAD 0.00005; TOPMed 0.00008.
gnomAD v4.1: 22 of 1,539,228 alleles (0.0014%); highest among the groups gnomAD compares: African/African-American, 0.023%; no homozygotes.

Submission:

Ambry Genetics
Classification: Uncertain significance for Cardiovascular phenotype. Last evaluated: 2024-11-27. Review status: criteria provided, single submitter. Criteria: Ambry Variant Classification Scheme 2023. Collection method: clinical testing. Allele origin: germline.
Comment: The p.R3436W variant (also known as c.10306C>T), located in coding exon 2 of the ZNF469 gene, results from a C to T substitution at nucleotide position 10306. The arginine at codon 3436 is replaced by tryptophan, an amino acid with dissimilar properties. This amino acid position is conserved. In addition, this alteration is predicted to be tolerated by in silico analysis. Since supporting evidence is limited at this time, the clinical significance of this alteration remains unclear.